The following is an entry in ClinVar:

ClinVar aggregate classification (germline): Conflicting classifications of pathogenicity. Review status: criteria provided, conflicting classifications (1 of 4 stars). 3 submissions from 3 submitters: Uncertain significance (1); Benign (2). Last evaluated 2026-04-09.

Conditions:
Hereditary cancer-predisposing syndrome. Also called: Hereditary Cancer Syndrome; Tumor predisposition; Hereditary neoplastic syndrome; Neoplastic Syndromes, Hereditary. Identifiers: Orphanet 140162, MedGen C0027672, MeSH D009386, MONDO:0015356.
Gorlin syndrome. Also called: Basal cell nevus syndrome; Nevoid Basal Cell Carcinoma Syndrome. Identifiers: Orphanet 377, MedGen C0004779, MONDO:0007187.

Allele frequency attached by ClinVar (database versions not stated): TOPMed 0.00002; gnomAD 0.00004 and 0.00003; gnomAD exomes 0.00001; ExAC 0.00001.
gnomAD v4.1: 16 of 1,587,810 alleles (0.001%); highest among the groups gnomAD compares: African/African-American, 0.0041%; no homozygotes.

Submissions (3):

Ambry Genetics
Classification: Benign for Hereditary cancer-predisposing syndrome. Last evaluated: 2026-04-09. Review status: criteria provided, single submitter. Criteria: Ambry Variant Classification Scheme 2023. Collection method: clinical testing. Allele origin: germline.

Labcorp Genetics (formerly Invitae), Labcorp
Classification: Benign for Gorlin syndrome. Last evaluated: 2025-10-29. Review status: criteria provided, single submitter. Criteria: Invitae Variant Classification Sherloc (09022015). Collection method: clinical testing. Allele origin: germline.

Quest Diagnostics Nichols Institute San Juan Capistrano
Classification: Uncertain significance. Last evaluated: 2025-05-07. Review status: criteria provided, single submitter. Criteria: Quest Diagnostics criteria. Collection method: clinical testing. Allele origin: unknown.
Comment: The PTCH1 c.3817G>A (p.Glu1273Lys) variant has been reported in the published literature in an individual with pancreatic cancer (PMID: 39256447 (2024)). The frequency of this variant in the general population (Genome Aggregation Database) is uninformative in the assessment of its pathogenicity. Analysis of this variant using bioinformatics tools for the prediction of the effect of amino acid changes on protein structure and function yielded predictions that this variant is benign. Based on the available information, we are unable to determine the clinical significance of this variant.

Literature cited by the submitters: PubMed 39256447 (cited by Quest Diagnostics Nichols Institute San Juan Capistrano).

NM_000264.5(PTCH1):c.3817G>A (p.Glu1273Lys)

Gene: PTCH1 (patched 1; minus strand). Cytogenetic location: 9q22.32.
Variant type: single nucleotide variant.
Coding change: c.3817G>A on transcript NM_000264.5 (MANE Select); coding-DNA position 3817, G replaced by A.
Protein change: p.Glu1273Lys; replaces glutamic acid 1273 with lysine.
Molecular consequence: missense variant. On other transcripts: non-coding transcript variant (1).
Genome position (GRCh38, 1-based): chr9:95,447,439, C>T on the plus strand (G>A on the coding strand, the complement: PTCH1 is on the minus strand). VCF-style: chr9-95447439-C-T. GRCh37 (hg19) VCF-style: chr9-98209721-C-T.
Other names: c.3619G>A, p.Glu1207Lys (NM_001083602.3); c.3814G>A, p.Glu1272Lys (NM_001083603.3); c.3364G>A, p.Glu1122Lys (NM_001083604.3, NM_001083605.3, NM_001083606.3 and 1 more transcripts); c.3661G>A, p.Glu1221Lys (NM_001354918.2); c.3817G>A (NM_000264.4); short protein forms E1207K, E1273K, E1272K, E1221K, E1122K.
Identifiers: ClinVar variation 453869 (VCV000453869.16), dbSNP rs749244396, ClinGen allele CA5138030.